The following is an entry in ClinVar:

ClinVar aggregate classification (germline): Pathogenic/Likely pathogenic. Review status: criteria provided, multiple submitters, no conflicts (2 of 4 stars). 10 submissions from 10 submitters: Pathogenic (6); Likely pathogenic (2). 2 of the submissions do not count toward it. Last evaluated 2026-07-27.

Conditions:
PKHD1-related disorder. Also called: PKHD1-related condition.
Polycystic kidney disease 4 (PKD4). Also called: PKD3; POLYCYSTIC KIDNEY AND HEPATIC DISEASE 1; POLYCYSTIC KIDNEY DISEASE, INFANTILE, TYPE I; Autosomal Recessive Polycystic Kidney Disease – PKHD1; POLYCYSTIC KIDNEY DISEASE 4 WITH OR WITHOUT POLYCYSTIC LIVER DISEASE. Identifiers: MedGen C4540575, MONDO:0033004, OMIM 263200.
Inborn genetic diseases. Identifiers: MedGen C0950123, MeSH D030342.
Autosomal recessive polycystic kidney disease (ARPKD). Also called: AR polycystic kidney disease. Identifiers: Orphanet 731, Orphanet 8378, MedGen C0085548, MeSH D017044, MONDO:0009889.

Allele frequency attached by ClinVar (database versions not stated): gnomAD exomes 0.00002; TOPMed 0.00006; gnomAD 0.00003.
gnomAD v4.1: 33 of 1,613,648 alleles (0.002%); highest among the groups gnomAD compares: Non-Finnish European, 0.0027%; no homozygotes.

Submissions (10):

Ambry Genetics
Classification: Pathogenic for Inborn genetic diseases. Last evaluated: 2026-07-27. Review status: criteria provided, single submitter. Criteria: Ambry Variant Classification Scheme 2023. Collection method: clinical testing. Allele origin: germline.
Comment: The c.10658T>C (p.I3553T) alteration is located in exon 61 (coding exon 60) of the PKHD1 gene. This alteration results from a T to C substitution at nucleotide position 10658, causing the isoleucine (I) at amino acid position 3553 to be replaced by a threonine (T). Based on data from gnomAD, this allele has an overall frequency of 0.003% (1/31404) total alleles studied. The highest observed frequency was 0.007% (1/15430) of European (non-Finnish) alleles. This variant has been reported in trans with a second PKHD1 variant in multiple individuals diagnosed with autosomal recessive polycystic kidney disease (Ward, 2002; Bergmann, 2005; Obeidova, 2015; Szab&oacute;, 2018; Das, 2023; Gezgin, 2024; Zeraati, 2024; Ambry internal data). This amino acid position is poorly conserved in available vertebrate species. The in silico prediction for this alteration is inconclusive. Based on the available evidence, this alteration is classified as pathogenic.

Natera, Inc.
Classification: Pathogenic for Autosomal recessive polycystic kidney disease. Last evaluated: 2025-12-15. Review status: criteria provided, single submitter. Criteria: Natera Variant Classification Schema (03/2026). Collection method: clinical testing. Allele origin: germline.
Comment: The c.10658T>C variant in PKHD1 is a missense variant predicted to cause substitution of isoleucine to threonine at amino acid 3553. This variant is rare in the general population with a frequency below the threshold expected for the associated phenotype(s). This variant has been observed in one or more individuals affected with the associated recessive disease, as either homozygous or compound heterozygous with a second variant (PMID: 26695994, 29956005). Computational prediction algorithms indicate this variant is likely to affect gene or protein function. Given the available evidence, this variant is classified as Pathogenic.

Labcorp Genetics (formerly Invitae), Labcorp
Classification: Pathogenic for Autosomal recessive polycystic kidney disease. Last evaluated: 2024-08-13. Review status: criteria provided, single submitter. Criteria: Invitae Variant Classification Sherloc (09022015). Collection method: clinical testing. Allele origin: germline.
Comment: This sequence change replaces isoleucine, which is neutral and non-polar, with threonine, which is neutral and polar, at codon 3553 of the PKHD1 protein (p.Ile3553Thr). This variant is present in population databases (rs137852948, gnomAD 0.007%). This missense change has been observed in individual(s) with polycystic kidney disease (PKD) (PMID: 11919560, 29956005). In at least one individual the data is consistent with being in trans (on the opposite chromosome) from a pathogenic variant. It has also been observed to segregate with disease in related individuals. ClinVar contains an entry for this variant (Variation ID: 4113). Advanced modeling of protein sequence and biophysical properties (such as structural, functional, and spatial information, amino acid conservation, physicochemical variation, residue mobility, and thermodynamic stability) has been performed at Invitae for this missense variant, however the output from this modeling did not meet the statistical confidence thresholds required to predict the impact of this variant on PKHD1 protein function. For these reasons, this variant has been classified as Pathogenic.

Fulgent Genetics
Classification: Likely pathogenic for Polycystic kidney disease 4. Last evaluated: 2024-06-18. Review status: criteria provided, single submitter. Criteria: ACMG Guidelines, 2015. Collection method: clinical testing. Allele origin: germline.

Baylor Genetics
Classification: Pathogenic for Polycystic kidney disease 4. Last evaluated: 2024-02-21. Review status: criteria provided, single submitter. Criteria: ACMG Guidelines, 2015. Collection method: clinical testing. Allele origin: unknown.

Blueprint Genetics
Classification: Pathogenic for PKHD1-related disorders. Last evaluated: 2023-10-04. Review status: criteria provided, single submitter. Criteria: ACMG Guidelines, 2015. Collection method: clinical testing. Allele origin: germline. Affected: yes. Observed: 3 variant alleles.

PreventionGenetics, part of Exact Sciences
Classification: Likely pathogenic for PKHD1-related condition. Last evaluated: 2023-08-25. Review status: criteria provided, single submitter. Criteria: ACMG Guidelines, 2015. Collection method: clinical testing. Allele origin: germline.
Comment: The PKHD1 c.10658T>C variant is predicted to result in the amino acid substitution p.Ile3553Thr. This variant is reported in 0.0065% of alleles in individuals of European (Non-Finnish) descent in gnomAD. This rare variant has been reported in the compound heterozygous state with different pathogenic variants in individuals with autosomal recessive polycystic kidney disease (ARPKD) (Ward et al. 2002. PubMed ID: 11919560; Obeidova et al. 2020. PubMed ID: 32574212). This variant is interpreted as likely pathogenic.

Juno Genomics, Hangzhou Juno Genomics, Inc
Classification: Pathogenic for Polycystic kidney disease 4. Review status: criteria provided, single submitter. Criteria: ACMG Guidelines, 2015. Collection method: clinical testing. Allele origin: germline.
Comment: Absent from controls (or at extremely low frequency if recessive) in Genome Aggregation Database.;Multiple lines of computational evidence support a deleterious effect on the gene or gene product.;For recessive disorders, detected in trans with a pathogenic variant.

Counsyl
Classification: Uncertain significance for Polycystic kidney disease 4. Last evaluated: 2017-03-16. Review status: no assertion criteria provided. Collection method: clinical testing. Allele origin: unknown. Not counted in ClinVar's aggregate classification.

OMIM
Classification: Pathogenic for POLYCYSTIC KIDNEY DISEASE 4. Last evaluated: 2002-03-01. Review status: no assertion criteria provided. Collection method: literature only. Allele origin: germline. Not counted in ClinVar's aggregate classification.

Literature cited by the submitters: PubMed 11919560 (cited by 4 submitters); PubMed 15698423 (cited by Ambry Genetics and Counsyl); PubMed 26695994 (cited by 3 submitters); PubMed 29956005 (cited by 3 submitters); PubMed 39473742 (cited by Ambry Genetics).

NM_138694.4(PKHD1):c.10658T>C (p.Ile3553Thr)

Gene: PKHD1 (PKHD1 ciliary IPT domain containing fibrocystin/polyductin; minus strand). Cytogenetic location: 6p12.3.
Variant type: single nucleotide variant.
Coding change: c.10658T>C on transcript NM_138694.4 (MANE Select); coding-DNA position 10658, T replaced by C.
Protein change: p.Ile3553Thr; replaces isoleucine 3553 with threonine.
Molecular consequence: missense variant.
Genome position (GRCh38, 1-based): chr6:51,659,468, A>G on the plus strand (T>C on the coding strand, the complement: PKHD1 is on the minus strand). VCF-style: chr6-51659468-A-G. GRCh37 (hg19) VCF-style: chr6-51524266-A-G.
Other names: short protein forms I3553T.
Identifiers: ClinVar variation 4113 (VCV000004113.23), dbSNP rs137852948, ClinGen allele CA253013.